The following is an entry in ClinVar:

NM_005560.6(LAMA5):c.9155A>C (p.Glu3052Ala)

Gene: LAMA5 (laminin subunit alpha 5; minus strand). Cytogenetic location: 20q13.33.
Variant type: single nucleotide variant.
Coding change: c.9155A>C on transcript NM_005560.6 (MANE Select); coding-DNA position 9155, A replaced by C.
Protein change: p.Glu3052Ala; replaces glutamic acid 3052 with alanine.
Molecular consequence: missense variant.
Genome position (GRCh38, 1-based): chr20:62,312,704, T>G on the plus strand (A>C on the coding strand, the complement: LAMA5 is on the minus strand). VCF-style: chr20-62312704-T-G. GRCh37 (hg19) VCF-style: chr20-60887760-T-G.
Other names: short protein forms E3052A.
Identifiers: ClinVar variation 3665800 (VCV003665800.1).

ClinVar aggregate classification (germline): Uncertain significance (1 of 4 stars; one submission).

Submission:

Labcorp Genetics (formerly Invitae), Labcorp
Classification: Uncertain significance. Last evaluated: 2024-12-13. Review status: criteria provided, single submitter. Criteria: Invitae Variant Classification Sherloc (09022015). Collection method: clinical testing. Allele origin: germline.
Comment: This sequence change replaces glutamic acid, which is acidic and polar, with alanine, which is neutral and non-polar, at codon 3052 of the LAMA5 protein (p.Glu3052Ala). This variant is present in population databases (no rsID available, gnomAD 0.001%). This variant has not been reported in the literature in individuals affected with LAMA5-related conditions. Invitae Evidence Modeling of protein sequence and biophysical properties (such as structural, functional, and spatial information, amino acid conservation, physicochemical variation, residue mobility, and thermodynamic stability) indicates that this missense variant is not expected to disrupt LAMA5 protein function with a negative predictive value of 80%. In summary, the available evidence is currently insufficient to determine the role of this variant in disease. Therefore, it has been classified as a Variant of Uncertain Significance.